The following is an entry in ClinVar:

NM_005751.5(AKAP9):c.10672A>G (p.Ile3558Val)

Gene: AKAP9 (A-kinase anchoring protein 9; plus strand). Cytogenetic location: 7q21.2.
Variant type: single nucleotide variant.
Coding change: c.10672A>G on transcript NM_005751.5 (MANE Select); coding-DNA position 10672, A replaced by G.
Protein change: p.Ile3558Val; replaces isoleucine 3558 with valine.
Molecular consequence: missense variant.
Genome position (GRCh38, 1-based): chr7:92,098,173, A>G. VCF-style: chr7-92098173-A-G. GRCh37 (hg19) VCF-style: chr7-91727487-A-G.
Other names: c.5317A>G, p.Ile1773Val (NM_001379277.1); c.10648A>G, p.Ile3550Val (NM_147185.3); short protein forms I3558V, I3550V, I1773V.
Identifiers: ClinVar variation 191527 (VCV000191527.43), dbSNP rs144054367, ClinGen allele CA236903.
Genomic context (GRCh38, chr7:92,098,173, plus strand): 5'-CAGTTTGAAACAGCAGATGATGAAGATTTCATTTGGGTTCAGGAAAATATTGATGAAATT[A>G]TTTTACAACTACAGAAATTAACTGGCCAGCAAGGTGAAGAGGTAATACTTTTTAAAAGTT-3'
Protein context (NP_005742.4, residues 3548-3568): IWVQENIDEI[Ile3558Val]LQLQKLTGQQ

ClinVar aggregate classification (germline): Likely benign. Review status: criteria provided, multiple submitters, no conflicts (2 of 4 stars). 10 submissions from 10 submitters: Likely benign (7). 3 of the submissions do not count toward it. Last evaluated 2026-03-12.

Conditions:
Cardiovascular phenotype. Identifiers: MedGen CN230736.
AKAP9-related disorder. Also called: AKAP9-related condition.
Long QT syndrome (LQTS). Identifiers: MedGen C0023976, MeSH D008133, MONDO:0002442. Disease mechanism: loss of function. Inheritance: Various modes of inheritance.
Arrhythmogenic right ventricular cardiomyopathy (ARVD). Also called: Arrhythmogenic cardiomyopathy; Arrhythmogenic Right Ventricular Cardiomyopathy (ARVC); Cardiomyopathy, ARVC; Arrhythmogenic right ventricular dysplasia. Identifiers: Orphanet 247, MedGen C0349788, MeSH D019571, MONDO:0016587. Disease mechanism: loss of function. Inheritance: Various modes of inheritance.

Allele frequency attached by ClinVar (database versions not stated): gnomAD 0.00060 and 0.00062; ESP Exome Variant Server 0.00069; ExAC 0.00074; TOPMed 0.00075; gnomAD exomes 0.00077 and 0.00082; 1000 Genomes Project 0.00100; 1000 Genomes Project 30x 0.00109.
gnomAD v4.1: 1,311 of 1,612,382 alleles (0.081%); highest among the groups gnomAD compares: Middle Eastern, 0.13%; 2 homozygotes.

Submissions (10):

Women's Health and Genetics/Laboratory Corporation of America, LabCorp
Classification: Likely benign. Last evaluated: 2026-03-12. Review status: criteria provided, single submitter. Criteria: LabCorp Variant Classification Summary - May 2015. Collection method: clinical testing. Allele origin: germline.
Comment: Variant summary: AKAP9 c.10672A>G (p.Ile3558Val) results in a conservative amino acid change in the encoded protein sequence. Algorithms developed to predict the effect of missense changes on protein structure and function are either unavailable or do not agree on the potential impact of this missense change. The variant allele was found at a frequency of 0.00077 in 250846 control chromosomes. The observed variant frequency exceeds the estimated maximal expected allele frequency for disease-causing variants in AKAP9. c.10672A>G has been not been reported in individuals affected with Long QT Syndrome and no experimental evidence demonstrating an impact on protein function has been reported. To our knowledge, no experimental evidence demonstrating an impact on protein function has been reported. The following publication have been ascertained in the context of this evaluation (PMID: 26159999). ClinVar contains an entry for this variant (Variation ID: 191527). Based on the evidence outlined above, the variant was classified as likely benign.

Labcorp Genetics (formerly Invitae), Labcorp
Classification: Likely benign for Long QT syndrome. Last evaluated: 2026-01-12. Review status: criteria provided, single submitter. Criteria: Invitae Variant Classification Sherloc (09022015). Collection method: clinical testing. Allele origin: germline.

CeGaT Center for Human Genetics Tuebingen
Classification: Likely benign. Last evaluated: 2025-01-01. Review status: criteria provided, single submitter. Criteria: CeGaT Center For Human Genetics Tuebingen Variant Classification Criteria Version 2. Collection method: clinical testing. Allele origin: germline. Affected: yes. Observed: 1 variant allele.
Comment: AKAP9: BP4, BS1

Blueprint Genetics
Classification: Likely benign. Last evaluated: 2024-10-14. Review status: criteria provided, single submitter. Criteria: ACMG Guidelines, 2015. Collection method: clinical testing. Allele origin: germline.

Center for Advanced Laboratory Medicine, UC San Diego Health, University of California San Diego
Classification: Likely benign for Arrhythmogenic right ventricular cardiomyopathy. Last evaluated: 2019-04-09. Review status: criteria provided, single submitter. Criteria: ACMG Guidelines, 2015. Collection method: clinical testing. Allele origin: germline. Affected: yes. Observed: 2 variant alleles.

Ambry Genetics
Classification: Likely benign for Cardiovascular phenotype. Last evaluated: 2018-08-13. Review status: criteria provided, single submitter. Criteria: Ambry Variant Classification Scheme 2023. Collection method: clinical testing. Allele origin: germline.

Biesecker Lab/Clinical Genomics Section, National Institutes of Health
Classification: Likely benign. Last evaluated: 2013-06-24. Review status: criteria provided, single submitter. Criteria: Ng et al. (Circ Cardiovasc Genet. 2013). Collection method: research. Allele origin: unknown. Observed: 2 variant alleles. Study: ClinSeq.
Comment: The study set was not selected for affection status in relation to any cancer. Pathogenicity categories were based on literature curation. See Pubmed ID:23861362 for details.

Medical sequencing

PreventionGenetics, part of Exact Sciences
Classification: Likely benign for AKAP9-related condition. Last evaluated: 2019-07-10. Review status: no assertion criteria provided. Collection method: clinical testing. Allele origin: germline. Not counted in ClinVar's aggregate classification.
Comment: This variant is classified as likely benign based on ACMG/AMP sequence variant interpretation guidelines (Richards et al. 2015 PMID: 25741868, with internal and published modifications).

Clinical Genetics, Academic Medical Center
Classification: Likely benign. Review status: no assertion criteria provided. Collection method: clinical testing. Allele origin: germline. Affected: yes. Study: VKGL Data-share Consensus. Not counted in ClinVar's aggregate classification.

Joint Genome Diagnostic Labs from Nijmegen and Maastricht, Radboudumc and MUMC+
Classification: Likely benign. Review status: no assertion criteria provided. Collection method: clinical testing. Allele origin: germline. Affected: yes. Study: VKGL Data-share Consensus. Not counted in ClinVar's aggregate classification.

Literature cited by the submitters: PubMed 26159999 (cited by Women's Health and Genetics/Laboratory Corporation of America, LabCorp); PubMed 23861362 (cited by Ambry Genetics).